The following is an entry in ClinVar:

ClinVar aggregate classification (germline): Pathogenic (1 of 4 stars; one submission).

Submission:

Labcorp Genetics (formerly Invitae), Labcorp
Classification: Pathogenic. Last evaluated: 2023-10-22. Review status: criteria provided, single submitter. Criteria: Invitae Variant Classification Sherloc (09022015). Collection method: clinical testing. Allele origin: germline.
Comment: This sequence change creates a premature translational stop signal (p.Glu18*) in the PRPF31 gene. It is expected to result in an absent or disrupted protein product. Loss-of-function variants in PRPF31 are known to be pathogenic (PMID: 18317597, 23950152). This variant is not present in population databases (gnomAD no frequency). This variant has not been reported in the literature in individuals affected with PRPF31-related conditions. For these reasons, this variant has been classified as Pathogenic.

Literature cited by the submitters: PubMed 18317597; PubMed 23950152.

NM_015629.4(PRPF31):c.52G>T (p.Glu18Ter)

Gene: PRPF31 (pre-mRNA processing factor 31; plus strand). Cytogenetic location: 19q13.42.
Variant type: single nucleotide variant.
Coding change: c.52G>T on transcript NM_015629.4 (MANE Select); coding-DNA position 52, G replaced by T.
Protein change: p.Glu18Ter; replaces glutamic acid 18 with a stop codon.
Molecular consequence: nonsense.
Genome position (GRCh38, 1-based): chr19:54,118,330, G>T. VCF-style: chr19-54118330-G-T. GRCh37 (hg19) VCF-style: chr19-54621710-G-T.
Other names: short protein forms E18*.
Identifiers: ClinVar variation 2770838 (VCV002770838.3), dbSNP rs201265631, ClinGen allele CA309320785.
Genomic context (GRCh38, chr19:54,118,330, plus strand): 5'-GGCCTCGGGATGTCTCTGGCAGATGAGCTCTTAGCTGATCTCGAAGAGGCAGCAGAAGAG[G>T]AGGAAGGAGGAAGCTATGGGGAGGAAGAAGAGGAGCCAGCGATCGAGGATGTGCAGGAGG-3'